The following is an entry in ClinVar:

ClinVar aggregate classification (germline): Likely benign (1 of 4 stars; one submission).

Submission:

CeGaT Center for Human Genetics Tuebingen
Classification: Likely benign. Last evaluated: 2026-03-01. Review status: criteria provided, single submitter. Criteria: CeGaT Center For Human Genetics Tuebingen Variant Classification Criteria Version 2. Collection method: clinical testing. Allele origin: germline. Affected: yes. Observed: 1 variant allele.
Comment: ZFP57: BP4, BP7

NM_001109809.5(ZFP57):c.459A>G (p.Leu153=)

Gene: ZFP57 (ZFP57 zinc finger protein; minus strand). Cytogenetic location: 6p22.1.
Variant type: single nucleotide variant.
Coding change: c.459A>G on transcript NM_001109809.5 (MANE Select); coding-DNA position 459, A replaced by G.
Protein change: p.Leu153=; no amino-acid change (leucine 153 retained).
Molecular consequence: synonymous variant.
Genome position (GRCh38, 1-based): chr6:29,673,652, T>C on the plus strand (A>G on the coding strand, the complement: ZFP57 is on the minus strand). VCF-style: chr6-29673652-T-C. GRCh37 (hg19) VCF-style: chr6-29641429-T-C.
Other names: c.243A>G, p.Leu81= (NM_001366333.2).
Identifiers: ClinVar variation 4822098 (VCV004822098.4).
Genomic context (GRCh38, chr6:29,673,652, plus strand): 5'-TGGCCCAGCCTGGGATGCTTGAAGCACCCGGGTCCTGTCCATAGTCCCAGCTGGGGCAGA[T>C]AGGGGGCACTGGCCGGCCCCTCTGCATGCAAGGAAGACCTTGTCATCACTAGTCCCCTCA-3'
Protein context (NP_001103279.2, residues 143-163): LACRGAGQCP[Leu153=]SAPAGTMDRT